The following is an entry in ClinVar:

NM_182961.4(SYNE1):c.1497C>T (p.His499=)

Gene: SYNE1 (spectrin repeat containing nuclear envelope protein 1; minus strand). Cytogenetic location: 6q25.2.
Variant type: single nucleotide variant.
Coding change: c.1497C>T on transcript NM_182961.4 (MANE Select); coding-DNA position 1497, C replaced by T.
Protein change: p.His499=; no amino-acid change (histidine 499 retained).
Molecular consequence: synonymous variant.
Genome position (GRCh38, 1-based): chr6:152,471,732, G>A on the plus strand (C>T on the coding strand, the complement: SYNE1 is on the minus strand). VCF-style: chr6-152471732-G-A. GRCh37 (hg19) VCF-style: chr6-152792867-G-A.
Other names: c.1518C>T, p.His506= (NM_033071.5).
Identifiers: ClinVar variation 287951 (VCV000287951.14), dbSNP rs758555741, ClinGen allele CA10605922.

ClinVar aggregate classification (germline): Conflicting classifications of pathogenicity. Review status: criteria provided, conflicting classifications (1 of 4 stars). 3 submissions from 3 submitters: Uncertain significance (1); Likely benign (2). Last evaluated 2026-01-26.

Conditions:
Autosomal recessive ataxia, Beauce type. Also called: Spinocerebellar ataxia, autosomal recessive 8; ATAXIA, RECESSIVE, OF BEAUCE; SYNE1 Deficiency; SYNE1-Related Autosomal Recessive Cerebellar Ataxia. Identifiers: Orphanet 88644, MedGen C1853116, MONDO:0012549, OMIM 610743.
Emery-Dreifuss muscular dystrophy 4, autosomal dominant (EDMD4). Also called: EMERY-DREIFUSS MUSCULAR DYSTROPHY 4 WITH VARIABLE FEATURES. Identifiers: Orphanet 261, MedGen C2751807, MONDO:0013071, OMIM 612998.

Allele frequency attached by ClinVar (database versions not stated): gnomAD 0.00003 and 0.00004; TOPMed 0.00003.
gnomAD v4.1: 22 of 1,613,714 alleles (0.0014%); highest among the groups gnomAD compares: Admixed American, 0.02%; 1 homozygote.

Submissions (3):

Labcorp Genetics (formerly Invitae), Labcorp
Classification: Likely benign for Emery-Dreifuss muscular dystrophy 4, autosomal dominant; Autosomal recessive ataxia, Beauce type. Last evaluated: 2026-01-26. Review status: criteria provided, single submitter. Criteria: Invitae Variant Classification Sherloc (09022015). Collection method: clinical testing. Allele origin: germline.

GeneDx
Classification: Likely benign. Last evaluated: 2018-05-30. Review status: criteria provided, single submitter. Criteria: GeneDx Variant Classification (06012015). Collection method: clinical testing. Allele origin: germline. Affected: yes.
Comment: This variant is considered likely benign or benign based on one or more of the following criteria: it is a conservative change, it occurs at a poorly conserved position in the protein, it is predicted to be benign by multiple in silico algorithms, and/or has population frequency not consistent with disease.

Eurofins Ntd Llc (ga)
Classification: Uncertain significance. Last evaluated: 2016-05-26. Review status: criteria provided, single submitter. Criteria: EGL Classification Definitions 2015. Collection method: clinical testing. Allele origin: germline. Observed: 1 variant allele, 1 heterozygote.